The following is an entry in ClinVar:

NM_001042492.3(NF1):c.3520C>T (p.Gln1174Ter)

Gene: NF1 (neurofibromin 1; plus strand). Cytogenetic location: 17q11.2.
Variant type: single nucleotide variant.
Coding change: c.3520C>T on transcript NM_001042492.3 (MANE Select); coding-DNA position 3520, C replaced by T.
Protein change: p.Gln1174Ter; replaces glutamine 1174 with a stop codon.
Molecular consequence: nonsense.
Genome position (GRCh38, 1-based): chr17:31,233,025, C>T. VCF-style: chr17-31233025-C-T. GRCh37 (hg19) VCF-style: chr17-29560043-C-T.
Other names: c.3520C>T, p.Gln1174Ter (NM_000267.4); short protein forms Q1174*.
Identifiers: ClinVar variation 978806 (VCV000978806.19), dbSNP rs868450405, ClinGen allele CA289338189.
Genomic context (GRCh38, chr17:31,233,025, plus strand): 5'-CCATGTTAGTAAATTTGCATCTGTTTGTCCACATTAGGCTTAGGTTACCACAAGGATCTC[C>T]AGACAAGAGCTACATTTATGGAAGTTCTGACAAAAATCCTTCAACAAGGCACAGAATTTG-3'

ClinVar aggregate classification (germline): Pathogenic. Review status: criteria provided, multiple submitters, no conflicts (2 of 4 stars). 9 submissions from 9 submitters: Pathogenic (8). 1 of the submissions does not count toward it. Last evaluated 2026-02-26.

Conditions:
Rhabdomyosarcoma. Also called: Rhabdomyosarcoma (disease). Identifiers: Orphanet 780, MedGen C0035412, MeSH D012208, MONDO:0005212, HP:0002859.
Neurofibromatosis, type 1 (NF1). Also called: Neurofibromatosis, type I; NEUROFIBROMATOSIS, TYPE I, SOMATIC; Peripheral type neurofibromatosis; VON RECKLINGHAUSEN DISEASE. Identifiers: Orphanet 636, MedGen C0027831, MONDO:0018975, OMIM 162200. Disease mechanism: loss of function.
NF1-related disorder. Also called: NF1-related condition. Identifiers: MedGen CN379171.

Submissions (9):

NHS Central & South Genomic Laboratory Hub
Classification: Pathogenic for Neurofibromatosis type 1. Last evaluated: 2026-02-26. Review status: criteria provided, single submitter. Criteria: ACMG Guidelines, 2015. Collection method: clinical testing. Allele origin: germline. Affected: yes.

Daryl Scott Lab, Baylor College of Medicine
Classification: Pathogenic for Neurofibromatosis, type 1. Last evaluated: 2025-08-25. Review status: criteria provided, single submitter. Criteria: ACMG Guidelines, 2015. Collection method: clinical testing. Allele origin: maternal. Affected: yes. Observed: 1 heterozygote.
Comment: PVS1, PM2

GeneDx
Classification: Pathogenic. Last evaluated: 2024-12-30. Review status: criteria provided, single submitter. Criteria: GeneDx Variant Classification Process June 2021. Collection method: clinical testing. Allele origin: germline. Affected: yes.
Comment: Nonsense variant predicted to result in protein truncation or nonsense mediated decay in a gene for which loss of function is a known mechanism of disease; Not observed at significant frequency in large population cohorts (gnomAD); Observed in individuals with suspected or clinically diagnosed neurofibromatosis type 1 and an individual with embryonal rhabdomyosarcoma referred for genetic testing at GeneDx and in published literature (PMID: 10862084, 33372952); This variant is associated with the following publications: (PMID: 25525159, 10862084, 33372952)

Blueprint Genetics
Classification: Pathogenic for NF1-related disorders. Last evaluated: 2024-05-10. Review status: criteria provided, single submitter. Criteria: ACMG Guidelines, 2015. Collection method: clinical testing. Allele origin: germline. Affected: yes. Observed: 1 variant allele.

Baylor Genetics
Classification: Pathogenic for Neurofibromatosis, type 1. Last evaluated: 2023-05-11. Review status: criteria provided, single submitter. Criteria: ACMG Guidelines, 2015. Collection method: clinical testing. Allele origin: unknown.

PreventionGenetics, part of Exact Sciences
Classification: Pathogenic for NF1-related condition. Last evaluated: 2022-11-23. Review status: criteria provided, single submitter. Criteria: ACMG Guidelines, 2015. Collection method: clinical testing. Allele origin: germline.
Comment: The NF1 c.3520C>T variant is predicted to result in premature protein termination (p.Gln1174*). This variant has been reported in individuals with neurofibromatosis type 1 (see for example - Messiaen et al. 2000. PubMed ID: 10862084). This variant has not been reported in a large population database, indicating this variant is rare. Nonsense variants in NF1 are expected to be pathogenic. This variant is interpreted as pathogenic.

Labcorp Genetics (formerly Invitae), Labcorp
Classification: Pathogenic for Neurofibromatosis, type 1. Last evaluated: 2022-03-29. Review status: criteria provided, single submitter. Criteria: Invitae Variant Classification Sherloc (09022015). Collection method: clinical testing. Allele origin: germline.
Comment: For these reasons, this variant has been classified as Pathogenic. ClinVar contains an entry for this variant (Variation ID: 978806). This premature translational stop signal has been observed in individual(s) with clinical feature of neurofibromatosis type 1 and/or embryonal rhabdomyosarcoma (PMID: 10862084, 33372952). This variant is not present in population databases (gnomAD no frequency). This sequence change creates a premature translational stop signal (p.Gln1174*) in the NF1 gene. It is expected to result in an absent or disrupted protein product. Loss-of-function variants in NF1 are known to be pathogenic (PMID: 10712197, 23913538).

Genome-Nilou Lab
Classification: Pathogenic for Neurofibromatosis, type 1. Last evaluated: 2022-03-15. Review status: criteria provided, single submitter. Criteria: ACMG Guidelines, 2015. Collection method: clinical testing. Allele origin: germline. Affected: no.

Human Genome Sequencing Center Clinical Lab, Baylor College of Medicine
Classification: Likely pathogenic for Rhabdomyosarcoma. Last evaluated: 2020-09-01. Review status: no assertion criteria provided. Collection method: provider interpretation. Allele origin: germline. Affected: yes. Not counted in ClinVar's aggregate classification.

Literature cited by the submitters: PubMed 10862084 (cited by Labcorp Genetics (formerly Invitae), Labcorp); PubMed 33372952 (cited by Labcorp Genetics (formerly Invitae), Labcorp); PubMed 10712197 (cited by Labcorp Genetics (formerly Invitae), Labcorp); PubMed 23913538 (cited by Labcorp Genetics (formerly Invitae), Labcorp).